The following is an entry in ClinVar:

NM_006514.4(SCN10A):c.3811G>A (p.Val1271Met)

Gene: SCN10A (sodium voltage-gated channel alpha subunit 10; minus strand). Cytogenetic location: 3p22.2.
Variant type: single nucleotide variant.
Coding change: c.3811G>A on transcript NM_006514.4 (MANE Select); coding-DNA position 3811, G replaced by A.
Protein change: p.Val1271Met; replaces valine 1271 with methionine.
Molecular consequence: missense variant.
Genome position (GRCh38, 1-based): chr3:38,712,439, C>T on the plus strand (G>A on the coding strand, the complement: SCN10A is on the minus strand). VCF-style: chr3-38712439-C-T. GRCh37 (hg19) VCF-style: chr3-38753930-C-T.
Other names: c.3808G>A, p.Val1270Met (NM_001293306.2); c.3517G>A, p.Val1173Met (NM_001293307.2); short protein forms V1173M, V1270M, V1271M.
Identifiers: ClinVar variation 1735163 (VCV001735163.8), dbSNP rs371258438, ClinGen allele CA2320089.

ClinVar aggregate classification (germline): Conflicting classifications of pathogenicity. Review status: criteria provided, conflicting classifications (1 of 4 stars). 2 submissions from 2 submitters: Uncertain significance (1); Likely benign (1). Last evaluated 2025-12-24.

Conditions:
Brugada syndrome. Also called: Sudden Unexplained Death Syndrome; Sudden Unexplained Nocturnal Death Syndrome (SUNDS); Sudden unexplained nocturnal death syndrome; Sudden unexpected nocturnal death syndrome. Identifiers: Orphanet 130, MedGen C1142166, MONDO:0015263.
Cardiovascular phenotype. Identifiers: MedGen CN230736.

Allele frequency attached by ClinVar (database versions not stated): gnomAD exomes 0.00001; ExAC 0.00002; TOPMed 0.00002; gnomAD 0.00003; ESP Exome Variant Server 0.00008.
gnomAD v4.1: 9 of 1,613,462 alleles (0.00056%); highest among the groups gnomAD compares: African/African-American, 0.0093%; no homozygotes.

Submissions (2):

Labcorp Genetics (formerly Invitae), Labcorp
Classification: Uncertain significance for Brugada syndrome. Last evaluated: 2025-12-24. Review status: criteria provided, single submitter. Criteria: Invitae Variant Classification Sherloc (09022015). Collection method: clinical testing. Allele origin: germline.
Comment: This sequence change replaces valine, which is neutral and non-polar, with methionine, which is neutral and non-polar, at codon 1271 of the SCN10A protein (p.Val1271Met). This variant is present in population databases (rs371258438, gnomAD 0.02%). This variant has not been reported in the literature in individuals affected with SCN10A-related conditions. ClinVar contains an entry for this variant (Variation ID: 1735163). Invitae Evidence Modeling of protein sequence and biophysical properties (such as structural, functional, and spatial information, amino acid conservation, physicochemical variation, residue mobility, and thermodynamic stability) indicates that this missense variant is expected to disrupt SCN10A protein function with a positive predictive value of 80%. In summary, the available evidence is currently insufficient to determine the role of this variant in disease. Therefore, it has been classified as a Variant of Uncertain Significance.

Ambry Genetics
Classification: Likely benign for Cardiovascular phenotype. Last evaluated: 2024-05-20. Review status: criteria provided, single submitter. Criteria: Ambry Variant Classification Scheme 2023. Collection method: clinical testing. Allele origin: germline.